The following is an entry in ClinVar:

ClinVar aggregate classification (germline): Uncertain significance (1 of 4 stars; one submission).

Conditions:
EGFR-related lung cancer (EGFR). Identifiers: MedGen CN130014.

Submission:

Labcorp Genetics (formerly Invitae), Labcorp
Classification: Uncertain significance for EGFR-related lung cancer. Last evaluated: 2026-01-07. Review status: criteria provided, single submitter. Criteria: Invitae Variant Classification Sherloc (09022015). Collection method: clinical testing. Allele origin: germline.
Comment: This sequence change replaces cysteine, which is neutral and slightly polar, with serine, which is neutral and polar, at codon 19 of the EGFR protein (p.Cys19Ser). This variant is not present in population databases (gnomAD no frequency). This variant has not been reported in the literature in individuals affected with EGFR-related conditions. ClinVar contains an entry for this variant (Variation ID: 1938127). An algorithm developed to predict the effect of missense changes on protein structure and function (PolyPhen-2) suggests that this variant is likely to be tolerated. In summary, the available evidence is currently insufficient to determine the role of this variant in disease. Therefore, it has been classified as a Variant of Uncertain Significance.

NM_005228.5(EGFR):c.56G>C (p.Cys19Ser)

Gene: EGFR (epidermal growth factor receptor; plus strand). Cytogenetic location: 7p11.2.
Variant type: single nucleotide variant.
Coding change: c.56G>C on transcript NM_005228.5 (MANE Select); coding-DNA position 56, G replaced by C.
Protein change: p.Cys19Ser; replaces cysteine 19 with serine.
Molecular consequence: missense variant.
Genome position (GRCh38, 1-based): chr7:55,019,333, G>C. VCF-style: chr7-55019333-G-C. GRCh37 (hg19) VCF-style: chr7-55087026-G-C.
Other names: c.56G>C, p.Cys19Ser (NM_001346897.2, NM_001346898.2, NM_001346899.2 and 4 more transcripts); short protein forms C19S.
Identifiers: ClinVar variation 1938127 (VCV001938127.5), dbSNP rs780865931, ClinGen allele CA4265110.
Genomic context (GRCh38, chr7:55,019,333, plus strand): 5'-CAGCGATGCGACCCTCCGGGACGGCCGGGGCAGCGCTCCTGGCGCTGCTGGCTGCGCTCT[G>C]CCCGGCGAGTCGGGCTCTGGAGGAAAAGAAAGGTAAGGGCGTGTCTCGCCGGCTCCCGCG-3'
Protein context (NP_005219.2, residues 9-29): AALLALLAAL[Cys19Ser]PASRALEEKK